The following is an entry in ClinVar:

NM_194248.3(OTOF):c.4033C>T (p.Gln1345Ter)

Gene: OTOF (otoferlin; minus strand). Cytogenetic location: 2p23.3.
Variant type: single nucleotide variant.
Coding change: c.4033C>T on transcript NM_194248.3 (MANE Select); coding-DNA position 4033, C replaced by T.
Protein change: p.Gln1345Ter; replaces glutamine 1345 with a stop codon.
Molecular consequence: nonsense.
Genome position (GRCh38, 1-based): chr2:26,468,465, G>A on the plus strand (C>T on the coding strand, the complement: OTOF is on the minus strand). VCF-style: chr2-26468465-G-A. GRCh37 (hg19) VCF-style: chr2-26691333-G-A.
Other names: c.4033C>T, p.Gln1345Ter (NM_001287489.2); c.1732C>T, p.Gln578Ter (NM_004802.4, NM_194323.3); c.1963C>T, p.Gln655Ter (NM_194322.3); short protein forms Q1345*, Q578*, Q655*.
Identifiers: ClinVar variation 2683870 (VCV002683870.3), dbSNP rs2465540556, ClinGen allele CA346137630.

ClinVar aggregate classification (germline): Pathogenic/Likely pathogenic. Review status: criteria provided, multiple submitters, no conflicts (2 of 4 stars). 2 submissions from 2 submitters: Pathogenic (1); Likely pathogenic (1). Last evaluated 2023-12-22.

Conditions:
Auditory neuropathy. Identifiers: MedGen C1852271, MONDO:0021944.
Autosomal recessive nonsyndromic hearing loss 9. Also called: AUDITORY NEUROPATHY, AUTOSOMAL RECESSIVE, 1, TEMPERATURE-SENSITIVE; OTOF-Related Hearing Loss; Deafness, autosomal recessive 9; NEUROSENSORY NONSYNDROMIC RECESSIVE DEAFNESS 9. Identifiers: Orphanet 90636, MedGen C1832828, MONDO:0010986, OMIM 601071.

Submissions (2):

WangQJ Lab, Chinese People's Liberation Army General Hospital
Classification: Pathogenic for Auditory neuropathy. Last evaluated: 2023-12-22. Review status: criteria provided, single submitter. Criteria: Submitter's publication. Collection method: research. Allele origin: germline. Affected: yes. Observed: 1 variant allele.

Juno Genomics, Hangzhou Juno Genomics, Inc
Classification: Likely pathogenic for Autosomal recessive nonsyndromic hearing loss 9. Review status: criteria provided, single submitter. Criteria: ACMG Guidelines, 2015. Collection method: clinical testing. Allele origin: germline.
Comment: Null variant in a gene where loss of function (LOF) is a known mechanism of disease.;Absent from controls (or at extremely low frequency if recessive) in Genome Aggregation Database.